The following is an entry in ClinVar:

ClinVar aggregate classification (germline): Likely benign. Review status: reviewed by expert panel (3 of 4 stars). 3 submissions from 3 submitters: Likely benign (1). 2 of the submissions do not count toward it. Last evaluated 2025-09-07.

Conditions:
RPGR-related retinopathy. Also called: RPGR retinopathy. Identifiers: MedGen CN305589, MONDO:0100437.
Primary ciliary dyskinesia. Also called: Ciliary dyskinesia. Identifiers: Orphanet 244, MedGen C0008780, MONDO:0016575, HP:0012265.

Allele frequency attached by ClinVar (database versions not stated): ExAC 0.00001.
gnomAD v4.1: 3 of 1,211,923 alleles (0.00025%); highest among the groups gnomAD compares: South Asian, 0.0035%; no homozygotes.

Submissions (3):

ClinGen X-linked Inherited Retinal Disease Variant Curation Expert Panel, ClinGen
Classification: Likely benign for RPGR-related retinopathy. Last evaluated: 2025-09-07. Review status: reviewed by expert panel. Criteria: ClinGen X LinkedIRD ACMG Specifications RPGR V1.0.0. Collection method: curation. Allele origin: germline. Inheritance: X-linked inheritance.
Comment: NM_001034853.2(RPGR):c.1201G>A (p.Val401Ile) is a missense variant encoding the substitution of valine with isoleucine at amino acid 401. This variant is present in gnomAD v4.1.0 at a frequency of 0.000002504 among hemizygous individuals, with 1 variant allele / 399,433 total alleles, which is lower than the ClinGen X-linked IRD VCEP BS1 threshold of >0.000005 but higher than the PM2_Supporting threshold of <0.0000005, so neither criterion is met. The computational predictor REVEL gives a score of 0.028, which is below the ClinGen X-linked IRD VCEP threshold of <0.183 and predicts a non-damaging effect on RPGR function. Additionally, the splicing impact predictor SpliceAI gives a delta score of 0.02, which is below the ClinGen X-linked IRD VCEP recommended threshold of <0.1 and does not strongly predict an impact on splicing (BP4_Moderate). In summary, this variant is classified as likely benign for RPGR-related retinopathy based on the ClinGen X-linked Inherited Retinal Disease Expert Panel Specifications to the ACMG/AMP Variant Interpretation Guidelines for RPGR Version 1.0.0; BP4_Moderate.

Labcorp Genetics (formerly Invitae), Labcorp
Classification: Likely benign for Primary ciliary dyskinesia. Last evaluated: 2024-01-25. Review status: criteria provided, single submitter. Criteria: Invitae Variant Classification Sherloc (09022015). Collection method: clinical testing. Allele origin: germline. Not counted in ClinVar's aggregate classification.

Blueprint Genetics
Classification: Likely benign. Last evaluated: 2020-10-01. Review status: criteria provided, single submitter. Criteria: ACMG Guidelines, 2015. Collection method: clinical testing. Allele origin: germline. Not counted in ClinVar's aggregate classification.

NM_001034853.2(RPGR):c.1201G>A (p.Val401Ile)

Gene: RPGR (retinitis pigmentosa GTPase regulator; minus strand). Cytogenetic location: Xp11.4.
Variant type: single nucleotide variant.
Coding change: c.1201G>A on transcript NM_001034853.2 (MANE Select); coding-DNA position 1201, G replaced by A.
Protein change: p.Val401Ile; replaces valine 401 with isoleucine.
Molecular consequence: missense variant. On other transcripts: non-coding transcript variant (6), intron variant (2).
Genome position (GRCh38, 1-based): chrX:38,299,000, C>T on the plus strand (G>A on the coding strand, the complement: RPGR is on the minus strand). VCF-style: chrX-38299000-C-T. GRCh37 (hg19) VCF-style: chrX-38158253-C-T.
Other names: NM_001034853.2(RPGR):c.1201G>A; p.Val401Ile; c.1201G>A, p.Val401Ile (NM_000328.3, NM_001367247.1); c.1198G>A, p.Val400Ile (NM_001367245.1, NM_001367249.1, NM_001367250.1); c.1231G>A, p.Val411Ile (NM_001367248.1); c.1060-1548G>A (NM_001367251.1, NM_001367246.1); short protein forms V411I, V400I, V401I.
Identifiers: ClinVar variation 2799604 (VCV002799604.5), dbSNP rs746767061, ClinGen allele CA10385520.